The following is an entry in ClinVar:

NM_000524.4(HTR1A):c.275T>C (p.Met92Thr)

Gene: HTR1A (5-hydroxytryptamine receptor 1A; minus strand). Cytogenetic location: 5q12.3.
Variant type: single nucleotide variant.
Coding change: c.275T>C on transcript NM_000524.4 (MANE Select); coding-DNA position 275, T replaced by C.
Protein change: p.Met92Thr; replaces methionine 92 with threonine.
Molecular consequence: missense variant.
Genome position (GRCh38, 1-based): chr5:63,961,445, A>G on the plus strand (T>C on the coding strand, the complement: HTR1A is on the minus strand). VCF-style: chr5-63961445-A-G. GRCh37 (hg19) VCF-style: chr5-63257272-A-G.
Other names: c.275T>C (NM_000524.2); short protein forms M92T.
Identifiers: ClinVar variation 1048921 (VCV001048921.3), dbSNP rs201953609, ClinGen allele CA120239558.

ClinVar aggregate classification (germline): Uncertain significance. Review status: criteria provided, multiple submitters, no conflicts (2 of 4 stars). 3 submissions from 3 submitters: Uncertain significance (2). 1 of the submissions does not count toward it. Last evaluated 2025-07-04.

Allele frequency attached by ClinVar (database versions not stated): TOPMed below 0.00001; gnomAD 0.00001; gnomAD exomes 0.00001 and 0.00002.
gnomAD v4.1: 12 of 1,613,864 alleles (0.00074%); highest among the groups gnomAD compares: Non-Finnish European, 0.00093%; no homozygotes.

Submissions (3):

Ambry Genetics
Classification: Uncertain significance. Last evaluated: 2025-07-04. Review status: criteria provided, single submitter. Criteria: Ambry Variant Classification Scheme 2023. Collection method: clinical testing. Allele origin: germline.

Women's Health and Genetics/Laboratory Corporation of America, LabCorp
Classification: Uncertain significance. Last evaluated: 2025-05-19. Review status: criteria provided, single submitter. Criteria: LabCorp Variant Classification Summary - May 2015. Collection method: clinical testing. Allele origin: germline.
Comment: Variant summary: HTR1A c.275T>C (p.Met92Thr) results in a non-conservative amino acid change in the encoded protein sequence. Algorithms developed to predict the effect of missense changes on protein structure and function all suggest that this variant is likely to be disruptive. The variant allele was found at a frequency of 8e-06 in 250126 control chromosomes. The available data on variant occurrences in the general population are insufficient to allow any conclusion about variant significance. To our knowledge, no occurrence of c.275T>C in individuals affected with Periodic Fever, Menstrual Cycle-Dependent and no experimental evidence demonstrating its impact on protein function have been reported. ClinVar contains an entry for this variant (Variation ID: 1048921). Based on the evidence outlined above, the variant was classified as uncertain significance.

Department of Pathology and Laboratory Medicine, Sinai Health System
Classification: Uncertain significance. Review status: no assertion criteria provided. Collection method: clinical testing. Allele origin: unknown. Affected: yes. Study: The Canadian Open Genetics Repository (COGR). Not counted in ClinVar's aggregate classification.
Comment: The HTR1A p.Met92Thr variant was not identified in the literature nor was it identified in ClinVar, Cosmic or LOVD 3.0. The variant was identified in dbSNP (ID: rs201953609) and in control databases in 3 of 281516 chromosomes at a frequency of 0.000011 (Genome Aggregation Database Feb 27, 2017). The variant was observed in the European (non-Finnish) population in 3 of 128454 chromosomes (freq: 0.000023), but not in the African, Latino, Ashkenazi Jewish, East Asian, European (Finnish), Other, and South Asian populations. The variant occurs outside of the splicing consensus sequence and in addition, 4 of 4 in silico or computational prediction software programs (SpliceSiteFinder, MaxEntScan, NNSPLICE, GeneSplicer) do not predict a greater than 10% difference in splicing. The p.Met92 residue is conserved across mammals and other organisms and computational analyses (PolyPhen-2, SIFT, AlignGVGD, BLOSUM, MutationTaster) do suggest a high likelihood of impact to the protein; however, this information is not predictive enough of pathogenicity. In summary, based on the above information, the clinical significance of this variant cannot be determined with certainty at this time. This variant is classified as a variant of uncertain significance.